The following is an entry in ClinVar:

ClinVar aggregate classification (germline): Uncertain significance. Review status: criteria provided, multiple submitters, no conflicts (2 of 4 stars). 2 submissions from 2 submitters: Uncertain significance (2). Last evaluated 2023-03-06.

Conditions:
Inborn genetic diseases. Identifiers: MedGen C0950123, MeSH D030342.

Allele frequency attached by ClinVar (database versions not stated): gnomAD exomes below 0.00001 and 0.00001; ExAC 0.00001; gnomAD 0.00001; TOPMed 0.00001.
gnomAD v4.1: 7 of 1,614,020 alleles (0.00043%); highest among the groups gnomAD compares: East Asian, 0.0045%; no homozygotes.

Submissions (2):

Ambry Genetics
Classification: Uncertain significance for Inborn genetic diseases. Last evaluated: 2023-03-06. Review status: criteria provided, single submitter. Criteria: Ambry Variant Classification Scheme 2023. Collection method: clinical testing. Allele origin: germline.

Labcorp Genetics (formerly Invitae), Labcorp
Classification: Uncertain significance. Last evaluated: 2022-07-05. Review status: criteria provided, single submitter. Criteria: Invitae Variant Classification Sherloc (09022015). Collection method: clinical testing. Allele origin: germline.
Comment: This sequence change replaces glutamic acid, which is acidic and polar, with lysine, which is basic and polar, at codon 1352 of the CEP152 protein (p.Glu1352Lys). This variant is present in population databases (rs767271070, gnomAD 0.007%). This variant has not been reported in the literature in individuals affected with CEP152-related conditions. ClinVar contains an entry for this variant (Variation ID: 1362361). Algorithms developed to predict the effect of missense changes on protein structure and function are either unavailable or do not agree on the potential impact of this missense change (SIFT: "Deleterious"; PolyPhen-2: "Benign"; Align-GVGD: "Class C0"). In summary, the available evidence is currently insufficient to determine the role of this variant in disease. Therefore, it has been classified as a Variant of Uncertain Significance.

NM_001194998.2(CEP152):c.4222G>A (p.Glu1408Lys)

Gene: CEP152 (centrosomal protein 152; minus strand). Cytogenetic location: 15q21.1.
Variant type: single nucleotide variant.
Coding change: c.4222G>A on transcript NM_001194998.2 (MANE Select); coding-DNA position 4222, G replaced by A.
Protein change: p.Glu1408Lys; replaces glutamic acid 1408 with lysine.
Molecular consequence: missense variant.
Genome position (GRCh38, 1-based): chr15:48,739,160, C>T on the plus strand (G>A on the coding strand, the complement: CEP152 is on the minus strand). VCF-style: chr15-48739160-C-T. GRCh37 (hg19) VCF-style: chr15-49031357-C-T.
Other names: c.4054G>A, p.Glu1352Lys (NM_014985.4); c.4054G>A (NM_014985.3); short protein forms E1408K, E1352K.
Identifiers: ClinVar variation 1362361 (VCV001362361.4), dbSNP rs767271070, ClinGen allele CA7548137.